The following is an entry in ClinVar:

ClinVar aggregate classification (germline): Likely benign (1 of 4 stars; one submission).

gnomAD v4.1: 16 of 151,608 alleles (0.011%); highest among the groups gnomAD compares: Non-Finnish European, 0.019%; no homozygotes.

Submission:

CeGaT Center for Human Genetics Tuebingen
Classification: Likely benign. Last evaluated: 2026-04-01. Review status: criteria provided, single submitter. Criteria: CeGaT Center For Human Genetics Tuebingen Variant Classification Criteria Version 2. Collection method: clinical testing. Allele origin: germline. Affected: yes. Observed: 2 variant alleles.
Comment: RAD51C: BP4

NM_058216.3(RAD51C):c.966-2169C>G

Gene: RAD51C (RAD51 paralog C; plus strand). Cytogenetic location: 17q22.
Variant type: single nucleotide variant.
Coding change: c.966-2169C>G on transcript NM_058216.3 (MANE Select); 2169 bases into the intron before coding-DNA position 966, C replaced by G.
Molecular consequence: intron variant.
Genome position (GRCh38, 1-based): chr17:58,730,315, C>G. VCF-style: chr17-58730315-C-G. GRCh37 (hg19) VCF-style: chr17-56807676-C-G.
Identifiers: ClinVar variation 3771924 (VCV003771924.13).